The following is an entry in ClinVar:

ClinVar aggregate classification (germline): Uncertain significance. Review status: criteria provided, multiple submitters, no conflicts (2 of 4 stars). 2 submissions from 2 submitters: Uncertain significance (2). Last evaluated 2024-03-07.

Conditions:
Cranioectodermal dysplasia 3 (CED3). Identifiers: Orphanet 1515, MedGen C3279807, MONDO:0013573, OMIM 614099.
Short-rib thoracic dysplasia 18 with polydactyly. Identifiers: MedGen C4693420, MONDO:0036483, OMIM 617866.
Retinitis pigmentosa 81 (RP81). Identifiers: MedGen C4693443, MONDO:0036482, OMIM 617871.

Allele frequency attached by ClinVar (database versions not stated): gnomAD exomes below 0.00001; gnomAD 0.00001; TOPMed 0.00002.
gnomAD v4.1: 4 of 1,613,928 alleles (0.00025%); highest among the groups gnomAD compares: African/African-American, 0.004%; no homozygotes.

Submissions (2):

Fulgent Genetics
Classification: Uncertain significance for Cranioectodermal dysplasia 3; Short-rib thoracic dysplasia 18 with polydactyly; Retinitis pigmentosa 81. Last evaluated: 2024-03-07. Review status: criteria provided, single submitter. Criteria: ACMG Guidelines, 2015. Collection method: clinical testing. Allele origin: germline.

Labcorp Genetics (formerly Invitae), Labcorp
Classification: Uncertain significance. Last evaluated: 2022-07-03. Review status: criteria provided, single submitter. Criteria: Invitae Variant Classification Sherloc (09022015). Collection method: clinical testing. Allele origin: germline.
Comment: In summary, the available evidence is currently insufficient to determine the role of this variant in disease. Therefore, it has been classified as a Variant of Uncertain Significance. Algorithms developed to predict the effect of missense changes on protein structure and function are either unavailable or do not agree on the potential impact of this missense change (SIFT: "Tolerated"; PolyPhen-2: "Not Available"; Align-GVGD: "Class C0"). ClinVar contains an entry for this variant (Variation ID: 857260). This variant has not been reported in the literature in individuals affected with IFT43-related conditions. This variant is present in population databases (no rsID available, gnomAD 0.01%). This sequence change replaces glutamic acid, which is acidic and polar, with glycine, which is neutral and non-polar, at codon 10 of the IFT43 protein (p.Glu10Gly).

NM_001102564.3(IFT43):c.29A>G (p.Glu10Gly)

Gene: IFT43 (intraflagellar transport 43; plus strand). Cytogenetic location: 14q24.3.
Variant type: single nucleotide variant.
Coding change: c.29A>G on transcript NM_001102564.3 (MANE Select); coding-DNA position 29, A replaced by G.
Protein change: p.Glu10Gly; replaces glutamic acid 10 with glycine.
Molecular consequence: missense variant. On other transcripts: non-coding transcript variant (2).
Genome position (GRCh38, 1-based): chr14:75,985,815, A>G. VCF-style: chr14-75985815-A-G. GRCh37 (hg19) VCF-style: chr14-76452158-A-G.
Other names: c.29A>G, p.Glu10Gly (NM_001255995.3, NM_052873.3); short protein forms E10G.
Identifiers: ClinVar variation 857260 (VCV000857260.6), dbSNP rs1023671414, ClinGen allele CA263715327.